The following is an entry in ClinVar:

ClinVar aggregate classification (germline): Uncertain significance (1 of 4 stars; one submission).

Submission:

Labcorp Genetics (formerly Invitae), Labcorp
Classification: Uncertain significance. Last evaluated: 2022-09-13. Review status: criteria provided, single submitter. Criteria: Invitae Variant Classification Sherloc (09022015). Collection method: clinical testing. Allele origin: germline.
Comment: A copy number gain of the genomic region encompassing the full coding sequence of the PITRM1 gene has been identified. The boundaries of this event are unknown as they extend beyond the assayed region for this gene and therefore may encompass additional genes. As the precise location of this event is unknown, it may be in tandem or it may be located elsewhere in the genome. This variant has not been reported in the literature in individuals affected with PITRM1-related conditions. In summary, the available evidence is currently insufficient to determine the role of this variant in disease. Therefore, it has been classified as a Variant of Uncertain Significance.

NC_000010.10:g.(?_3180223)_(3214971_?)dup

Gene: PITRM1 (pitrilysin metallopeptidase 1; minus strand). Cytogenetic location: 10p15.2.
Variant type: Duplication.
Identifiers: ClinVar variation 2423988 (VCV002423988.3).